The following is an entry in ClinVar:

NM_001122630.2(CDKN1C):c.605C>G (p.Ala202Gly)

Gene: CDKN1C (cyclin dependent kinase inhibitor 1C; minus strand). Cytogenetic location: 11p15.4.
Variant type: single nucleotide variant.
Coding change: c.605C>G on transcript NM_001122630.2 (MANE Select); coding-DNA position 605, C replaced by G.
Protein change: p.Ala202Gly; replaces alanine 202 with glycine.
Molecular consequence: missense variant. On other transcripts: intron variant (1).
Genome position (GRCh38, 1-based): chr11:2,884,852, G>C on the plus strand (C>G on the coding strand, the complement: CDKN1C is on the minus strand). VCF-style: chr11-2884852-G-C. GRCh37 (hg19) VCF-style: chr11-2906082-G-C.
Other names: c.638C>G, p.Ala213Gly (NM_000076.2, NM_001362474.2); c.605C>G, p.Ala202Gly (NM_001122631.2); c.255+350C>G (NM_001362475.2); short protein forms A202G, A213G.
Identifiers: ClinVar variation 2915127 (VCV002915127.4), dbSNP rs2494385304, ClinGen allele CA379146154.

ClinVar aggregate classification (germline): Uncertain significance. Review status: criteria provided, multiple submitters, no conflicts (2 of 4 stars). 2 submissions from 2 submitters: Uncertain significance (2). Last evaluated 2026-02-11.

Conditions:
Beckwith-Wiedemann syndrome (BWS). Also called: EMG SYNDROME; Exomphalos macroglossia gigantism syndrome. Identifiers: Orphanet 116, MedGen C0004903, MONDO:0007534, OMIM 130650.

Submissions (2):

St. Jude Molecular Pathology, St. Jude Children's Research Hospital
Classification: Uncertain significance for Beckwith-Wiedemann syndrome. Last evaluated: 2026-02-11. Review status: criteria provided, single submitter. Criteria: St. Jude Assertion Criteria 2020. Collection method: clinical testing. Allele origin: germline.
Comment: The CDKN1C c.638C>G p.(Ala213Gly) missense change is absent in gnomAD v2.1.1, however data at this position may not be reliable due to mean depth of coverage <30X. The in silico tool REVEL predicts a benign effect on protein function, but to our knowledge this prediction has not been con firmed by functional studies. To our knowledge, this variant has not been reported in individuals with Beckwith-Wiedemann syndrome or IMAGE syndrome. In summary, the evidence currently available is insufficient to determine the clinical significance of t his variant. It has therefore been classified as of uncertain significance.

Labcorp Genetics (formerly Invitae), Labcorp
Classification: Uncertain significance for Beckwith-Wiedemann syndrome. Last evaluated: 2023-05-15. Review status: criteria provided, single submitter. Criteria: Invitae Variant Classification Sherloc (09022015). Collection method: clinical testing. Allele origin: germline.
Comment: In summary, the available evidence is currently insufficient to determine the role of this variant in disease. Therefore, it has been classified as a Variant of Uncertain Significance. Advanced modeling of protein sequence and biophysical properties (such as structural, functional, and spatial information, amino acid conservation, physicochemical variation, residue mobility, and thermodynamic stability) performed at Invitae indicates that this missense variant is not expected to disrupt CDKN1C protein function. This variant has not been reported in the literature in individuals affected with CDKN1C-related conditions. The frequency data for this variant in the population databases is considered unreliable, as metrics indicate insufficient coverage at this position in the gnomAD database. This sequence change replaces alanine, which is neutral and non-polar, with glycine, which is neutral and non-polar, at codon 213 of the CDKN1C protein (p.Ala213Gly).